The following is an entry in ClinVar:

NM_001291415.2(KDM6A):c.748+7A>G

Gene: KDM6A (lysine demethylase 6A; plus strand). Cytogenetic location: Xp11.3.
Variant type: single nucleotide variant.
Coding change: c.748+7A>G on transcript NM_001291415.2 (MANE Select); 7 bases into the intron after coding-DNA position 748, A replaced by G.
Molecular consequence: intron variant.
Genome position (GRCh38, 1-based): chrX:45,051,809, A>G. VCF-style: chrX-45051809-A-G. GRCh37 (hg19) VCF-style: chrX-44911054-A-G.
Other names: c.748+7A>G (NM_001419809.1, NM_001419810.1, NM_001419813.1 and 9 more transcripts); c.-6+7A>G (NM_001291421.2).
Identifiers: ClinVar variation 4882295 (VCV004882295.2).

ClinVar aggregate classification (germline): Uncertain significance (1 of 4 stars; one submission).

Submission:

Dasa
Classification: Uncertain significance. Last evaluated: 2025-10-17. Review status: criteria provided, single submitter. Criteria: DASA Assertion Criteria. Collection method: clinical testing. Allele origin: germline.
Comment: NM_001291415.2(KDM6A):c.748+7A>G is a splice-region variant. This variant is rare in population databases. Computational prediction algorithms are consistent with a benign effect. The currently available literature and clinical evidence are not sufficient to establish a definitive association between this variant and the reported condition. Therefore, this variant is classified as a variant of uncertain significance.